The following is an entry in ClinVar:

NM_001395413.1(POR):c.103G>A (p.Val35Met)

Gene: POR (cytochrome p450 oxidoreductase; plus strand). Cytogenetic location: 7q11.23.
Variant type: single nucleotide variant.
Coding change: c.103G>A on transcript NM_001395413.1 (MANE Select); coding-DNA position 103, G replaced by A.
Protein change: p.Val35Met; replaces valine 35 with methionine.
Molecular consequence: missense variant.
Genome position (GRCh38, 1-based): chr7:75,954,104, G>A. VCF-style: chr7-75954104-G-A. GRCh37 (hg19) VCF-style: chr7-75583422-G-A.
Other names: c.103G>A, p.Val35Met (NM_001367562.3, NM_001382655.3, NM_001382657.2 and 3 more transcripts); short protein forms V35M.
Identifiers: ClinVar variation 909405 (VCV000909405.7), dbSNP rs782469484, ClinGen allele CA4303453.

ClinVar aggregate classification (germline): Uncertain significance. Review status: criteria provided, multiple submitters, no conflicts (2 of 4 stars). 3 submissions from 3 submitters: Uncertain significance (3). Last evaluated 2022-10-07.

Conditions:
Congenital adrenal hyperplasia due to cytochrome P450 oxidoreductase deficiency. Also called: DISORDERED STEROIDOGENESIS DUE TO POR DEFICIENCY. Identifiers: Orphanet 95699, MedGen C1860042, MONDO:0013310, OMIM 613571.
Inborn genetic diseases. Identifiers: MedGen C0950123, MeSH D030342.

Allele frequency attached by ClinVar (database versions not stated): gnomAD 0.00001; gnomAD exomes 0.00001 and 0.00003; ExAC 0.00003.

Submissions (3):

Labcorp Genetics (formerly Invitae), Labcorp
Classification: Uncertain significance for Congenital adrenal hyperplasia due to cytochrome P450 oxidoreductase deficiency. Last evaluated: 2022-10-07. Review status: criteria provided, single submitter. Criteria: Invitae Variant Classification Sherloc (09022015). Collection method: clinical testing. Allele origin: germline.
Comment: This sequence change replaces valine, which is neutral and non-polar, with methionine, which is neutral and non-polar, at codon 38 of the POR protein (p.Val38Met). This variant is present in population databases (rs782469484, gnomAD 0.02%), including at least one homozygous and/or hemizygous individual. This variant has not been reported in the literature in individuals affected with POR-related conditions. ClinVar contains an entry for this variant (Variation ID: 909405). Algorithms developed to predict the effect of missense changes on protein structure and function output the following: SIFT: "Deleterious"; PolyPhen-2: "Benign"; Align-GVGD: "Class C0". The methionine amino acid residue is found in multiple mammalian species, which suggests that this missense change does not adversely affect protein function. In summary, the available evidence is currently insufficient to determine the role of this variant in disease. Therefore, it has been classified as a Variant of Uncertain Significance.

Ambry Genetics
Classification: Uncertain significance for Inborn genetic diseases. Last evaluated: 2021-08-16. Review status: criteria provided, single submitter. Criteria: Ambry Variant Classification Scheme 2023. Collection method: clinical testing. Allele origin: germline.

Illumina Laboratory Services, Illumina
Classification: Uncertain significance for Congenital adrenal hyperplasia due to cytochrome P450 oxidoreductase deficiency. Last evaluated: 2018-01-13. Review status: criteria provided, single submitter. Criteria: ICSL Variant Classification Criteria 13 December 2019. Collection method: clinical testing. Allele origin: germline.